The following is an entry in ClinVar:

ClinVar aggregate classification (germline): Pathogenic/Likely pathogenic. Review status: criteria provided, multiple submitters, no conflicts (2 of 4 stars). 6 submissions from 6 submitters: Pathogenic (1); Likely pathogenic (5). Last evaluated 2025-08-19.

Conditions:
MASS syndrome (OCTD). Also called: OVERLAP CONNECTIVE TISSUE DISEASE; MASS PHENOTYPE. Identifiers: MedGen C1858556, MONDO:0011431, OMIM 604308.
Progeroid and marfanoid aspect-lipodystrophy syndrome. Also called: MARFANOID-PROGEROID SYNDROME; MARFAN-PROGEROID-LIPODYSTROPHY SYNDROME; Marfan lipodystrophy syndrome; MARFANOID-PROGEROID-LIPODYSTROPHY SYNDROME. Identifiers: Orphanet 300382, MedGen C4310796, MONDO:0014831, OMIM 616914.
Ectopia lentis 1, isolated, autosomal dominant (ECTOL1). Identifiers: Orphanet 1885, MedGen C3541518, MONDO:0007514, OMIM 129600.
Weill-Marchesani syndrome 2, dominant. Also called: Weill-Marchesani Syndrome, Autosomal Dominant; FBN1-Related Weill-Marchesani Syndrome. Identifiers: Orphanet 2084, MedGen C1869115, MONDO:0012013, OMIM 608328.
Acromicric dysplasia (ACMICD). Also called: Acromicric skeletal dysplasia. Identifiers: Orphanet 969, MedGen C0265287, MONDO:0007055, OMIM 102370.
Geleophysic dysplasia 2 (GPHYSD2). Identifiers: Orphanet 2623, MedGen C3280054, MONDO:0013612, OMIM 614185.
Stiff skin syndrome (SSKS). Identifiers: Orphanet 2833, MedGen C1861456, MONDO:0008492, OMIM 184900.
Marfan syndrome (MFS). Also called: Marfan syndrome type 1; Marfan syndrome, classic; Marfan's syndrome; FBN1-Related Marfan Syndrome; MARFAN SYNDROME, TYPE I. Identifiers: Orphanet 284963, Orphanet 558, MedGen C0024796, MONDO:0007947, OMIM 154700.
Familial thoracic aortic aneurysm and aortic dissection (TAAD). Also called: Thoracic aortic aneurysms and dissections. Identifiers: Orphanet 91387, MedGen C4707243, MONDO:0019625.
FBN1-related disorder. Also called: FBN1-related disorders.

Allele frequency attached by ClinVar (database versions not stated): gnomAD exomes below 0.00001.
gnomAD v4.1: 1 of 1,614,074 alleles (0.000062%); highest among the groups gnomAD compares: Non-Finnish European, 0.000085%; no homozygotes.

Submissions (6):

Labcorp Genetics (formerly Invitae), Labcorp
Classification: Pathogenic for Marfan syndrome; Familial thoracic aortic aneurysm and aortic dissection. Last evaluated: 2025-08-19. Review status: criteria provided, single submitter. Criteria: Invitae Variant Classification Sherloc (09022015). Collection method: clinical testing. Allele origin: germline.
Comment: This sequence change replaces glycine, which is neutral and non-polar, with serine, which is neutral and polar, at codon 1042 of the FBN1 protein (p.Gly1042Ser). This variant is not present in population databases (gnomAD no frequency). This missense change has been observed in individuals with autosomal dominant FBN1-related conditions (PMID: 18435798; internal data). ClinVar contains an entry for this variant (Variation ID: 519571). Invitae Evidence Modeling of protein sequence and biophysical properties (such as structural, functional, and spatial information, amino acid conservation, physicochemical variation, residue mobility, and thermodynamic stability) indicates that this missense variant is expected to disrupt FBN1 protein function with a positive predictive value of 95%. This variant disrupts the p.Gly1042 amino acid residue in FBN1. Other variant(s) that disrupt this residue have been observed in individuals with FBN1-related conditions (PMID: 16835936), which suggests that this may be a clinically significant amino acid residue. For these reasons, this variant has been classified as Pathogenic.

Rady Children's Institute for Genomic Medicine, Rady Children's Hospital San Diego
Classification: Likely pathogenic for FBN1-related disorders. Last evaluated: 2025-04-26. Review status: criteria provided, single submitter. Criteria: ACMG Guidelines, 2015. Collection method: clinical testing. Allele origin: germline. Affected: yes.
Comment: The FBN1 gene is constrained against variation (Z-score= 8.20 and pLI = 1), and missense variants are a common mechanism of disease (HGMD, ClinVar database; PMID: 36176293). The c.3124G>A (p.Gly1042Ser) variant affects a highly conserved amino acid and is predicted by multiple in silico tools to have a deleterious effect on protein function. This variant has been previously reported as a heterozygous change in a patient with Marfan syndrome who does not meet Ghent criteria (PMID: 18435798). The c.3124G>A (p.Gly1042Ser) variant affects a glycine residue between Cys2-Cys3 in cbEGF-like domain, which is a critical functional domain within FBN1 (PMID: 20301510). Different amino acid changes at the same residue (p.Gly1042Asp, p.Gly1042Arg) have been previously reported in individuals with ectopia lentis or cardiovascular and skeletal features of Marfan syndrome (PMID: 16835936, 38190127). The c.3124G>A (p.Gly1042Ser) variant is present in the latest version of the gnomAD population database at an allele frequency of 0.00006% (1/1614074), and is absent in the homozygous state, thus is presumed to be rare. Based on the available evidence, c.3124G>A (p.Gly1042Ser) is classified as Likely Pathogenic.

Blueprint Genetics
Classification: Likely pathogenic for FBN1-related disorders. Last evaluated: 2024-04-23. Review status: criteria provided, single submitter. Criteria: ACMG Guidelines, 2015. Collection method: clinical testing. Allele origin: germline. Affected: yes. Observed: 1 variant allele.

3billion
Classification: Likely pathogenic for Marfan syndrome. Last evaluated: 2022-05-22. Review status: criteria provided, single submitter. Criteria: ACMG Guidelines, 2015. Collection method: clinical testing. Allele origin: germline. Affected: yes. Observed: 1 heterozygote.
Comment: The variant is not observed in the gnomAD v2.1.1 dataset. In silico tool predictions suggest damaging effect of the variant on gene or gene product (REVEL: 0.83; 3Cnet: 0.88). Same nucleotide change resulting in same amino acid change has been previously reported as pathogenic/likely pathogenic (Clinvar ID: VCV000519571). A different missense change at the same codon (p.Gly1042Asp) has been reported to be associated with FBN1 related disorder (ClinVar ID: VCV000519740 / PMID: 16835936). Therefore, this variant is classified as likely pathogenic according to the recommendation of ACMG/AMP guideline.

Fulgent Genetics
Classification: Likely pathogenic for Acromicric dysplasia; Ectopia lentis 1, isolated, autosomal dominant; Marfan syndrome; Stiff skin syndrome; MASS syndrome; Weill-Marchesani syndrome 2, dominant; Geleophysic dysplasia 2; Progeroid and marfanoid aspect-lipodystrophy syndrome. Last evaluated: 2021-10-28. Review status: criteria provided, single submitter. Criteria: ACMG Guidelines, 2015. Collection method: clinical testing. Allele origin: unknown.

Ambry Genetics
Classification: Likely pathogenic for Familial thoracic aortic aneurysm and aortic dissection. Last evaluated: 2020-08-12. Review status: criteria provided, single submitter. Criteria: Ambry Variant Classification Scheme 2023. Collection method: clinical testing. Allele origin: germline.
Comment: The p.G1042S variant (also known as c.3124G>A), located in coding exon 25 of the FBN1 gene, results from a G to A substitution at nucleotide position 3124. The glycine at codon 1042 is replaced by serine, an amino acid with similar properties, and is located in the cb EGF-like #11 domain. This amino acid position is highly conserved in available vertebrate species. In addition, this alteration is predicted to be deleterious by in silico analysis. Based on the majority of available evidence to date, this variant is likely to be pathogenic.

Literature cited by the submitters: PubMed 18435798 (cited by 3 submitters); PubMed 16835936 (cited by 3 submitters); PubMed 17657824 (cited by Rady Children's Institute for Genomic Medicine, Rady Children's Hospital San Diego); PubMed 19802897 (cited by Rady Children's Institute for Genomic Medicine, Rady Children's Hospital San Diego and Ambry Genetics); PubMed 20301293 (cited by Rady Children's Institute for Genomic Medicine, Rady Children's Hospital San Diego); PubMed 20301299 (cited by Rady Children's Institute for Genomic Medicine, Rady Children's Hospital San Diego); PubMed 20301510 (cited by Rady Children's Institute for Genomic Medicine, Rady Children's Hospital San Diego); PubMed 20301776 (cited by Rady Children's Institute for Genomic Medicine, Rady Children's Hospital San Diego); PubMed 26796135 (cited by Rady Children's Institute for Genomic Medicine, Rady Children's Hospital San Diego); PubMed 27274304 (cited by Rady Children's Institute for Genomic Medicine, Rady Children's Hospital San Diego); PubMed 31536524 (cited by Rady Children's Institute for Genomic Medicine, Rady Children's Hospital San Diego); PubMed 36176293 (cited by Rady Children's Institute for Genomic Medicine, Rady Children's Hospital San Diego); PubMed 38190127 (cited by Rady Children's Institute for Genomic Medicine, Rady Children's Hospital San Diego); PubMed 38269088 (cited by Rady Children's Institute for Genomic Medicine, Rady Children's Hospital San Diego).

NM_000138.5(FBN1):c.3124G>A (p.Gly1042Ser)

Gene: FBN1 (fibrillin 1; minus strand). Cytogenetic location: 15q21.1.
Variant type: single nucleotide variant.
Coding change: c.3124G>A on transcript NM_000138.5 (MANE Select); coding-DNA position 3124, G replaced by A.
Protein change: p.Gly1042Ser; replaces glycine 1042 with serine.
Molecular consequence: missense variant.
Genome position (GRCh38, 1-based): chr15:48,488,452, C>T on the plus strand (G>A on the coding strand, the complement: FBN1 is on the minus strand). VCF-style: chr15-48488452-C-T. GRCh37 (hg19) VCF-style: chr15-48780649-C-T.
Other names: short protein forms G1042S.
Identifiers: ClinVar variation 519571 (VCV000519571.14), dbSNP rs1555398681, ClinGen allele CA392328152.
Genomic context (GRCh38, chr15:48,488,452, plus strand): 5'-CAAGAGCAAAGCCGCTGTCACACCTGCACTTAAAGCTGCCAATGGTGTTTCTGCACTTGC[C>T]GTGGGTGCAGAGGCTGGGTATCATCTTGCACTCATTGATATCTTCAAGAATAAGAAAATG-3'
Protein context (NP_000129.3, residues 1032-1052): CKMIPSLCTH[Gly1042Ser]KCRNTIGSFK